The following is an entry in ClinVar:

ClinVar aggregate classification (germline): Pathogenic (1 of 4 stars; one submission).

Conditions:
DYRK1A-related intellectual disability syndrome (MRD7). Also called: DYRK1A Syndrome; Intellectual developmental disorder, autosomal dominant 7. Identifiers: Orphanet 464306, MedGen C5568143, MONDO:0013578, OMIM 614104.

Submission:

Diagnostic Laboratory, Strasbourg University Hospital
Classification: Pathogenic for DYRK1A-related intellectual disability syndrome. Last evaluated: 2024-12-23. Review status: criteria provided, single submitter. Criteria: submitter's publication. Collection method: clinical testing, in vitro. Allele origin: de novo, not applicable. Inheritance: Autosomal dominant inheritance. Affected: yes. Observed: 1 heterozygote. Functional consequence: Decreased function.
Comment: Fonctional assay shows that the variant affects the kinase activity of DYRK1A as well as its cellular localization

Literature cited by the submitters: PubMed 38030819.

NM_001347721.2(DYRK1A):c.683_695delinsA (p.Val228_Leu232delinsGlu)

Gene: DYRK1A (dual specificity tyrosine phosphorylation regulated kinase 1A; plus strand). Cytogenetic location: 21q22.13.
Variant type: Indel.
Coding change: c.683_695delinsA on transcript NM_001347721.2 (MANE Select); coding-DNA positions 683 to 695, TTTTTGAAATGCT replaced by A.
Protein change: p.Val228_Leu232delinsGlu.
Molecular consequence: inframe indel.
Genome position (GRCh38, 1-based): chr21:37,490,220-37,490,232, TTTTTGAAATGCT replaced by A. VCF-style: chr21-37490220-TTTTTGAAATGCT-A. GRCh37 (hg19) VCF-style: chr21-38862522-TTTTTGAAATGCT-A.
Other names: c.683_695delinsA, p.Val228_Leu232delinsGlu (NM_001347722.2, NM_130436.2); c.596_608delinsA, p.Val199_Leu203delinsGlu (NM_001347723.2); c.710_722delinsA, p.Val237_Leu241delinsGlu (NM_001396.5, NM_101395.2, NM_130438.2).
Identifiers: ClinVar variation 3392473 (VCV003392473.3).